The following is an entry in ClinVar:

NM_001319074.4(RAX2):c.465_475del (p.Ala156fs)

Gene: RAX2 (retina and anterior neural fold homeobox 2; minus strand). Cytogenetic location: 19p13.3.
Variant type: Deletion.
Coding change: c.465_475del on transcript NM_001319074.4 (MANE Select); coding-DNA positions 465 to 475, 11 bases deleted (CGCAGATGGCT).
Protein change: p.Ala156fs; shifts the reading frame from alanine 156.
Molecular consequence: frameshift variant.
Genome position (GRCh38, 1-based): chr19:3,770,701-3,770,711, AGCCATCTGCG deleted on the plus strand (CGCAGATGGCT on the coding strand, the reverse complement: RAX2 is on the minus strand); deleting any 11 consecutive bases within chr19:3,770,701-3,770,712 gives the same sequence; the c. name uses the placement nearest the transcript's 3' end. VCF-style (leftmost placement, unchanged base first): chr19-3770700-AAGCCATCTGCG-A. GRCh37 (hg19) VCF-style: chr19-3770698-AAGCCATCTGCG-A.
Other names: c.465_475del, p.Ala156fs (NM_032753.4); c.465_475delCGCAGATGGCT (NM_032753.3); short protein forms A156fs.
Identifiers: ClinVar variation 208124 (VCV000208124.16), dbSNP rs886041039, ClinGen allele CA10602391.
Genomic context (GRCh38, chr19:3,770,700, plus strand): 5'-CTGTCCAGAGCCTGTGCATGTTCCTTGGCCAGCAGCCGCAGGGACGCCTCCTCCAGGGCG[AAGCCATCTGCG>A]AAGGTGGGAGCAAAGGCATGAGGCCCGAAGGACGCTTGCAGCCCCGGGCCCGGGCCCAGG-3'

ClinVar aggregate classification (germline): Pathogenic/Likely pathogenic. Review status: criteria provided, multiple submitters, no conflicts (2 of 4 stars). 4 submissions from 4 submitters: Pathogenic (1); Likely pathogenic (2). 1 of the submissions does not count toward it. Last evaluated 2025-12-03.

Conditions:
RAX2-related disorder. Also called: RAX2-related condition; RAX2-related disorders.
Cone-rod dystrophy 11 (CORD11). Identifiers: Orphanet 1872, MedGen C1835865, MONDO:0012483, OMIM 610381.

Submissions (4):

Labcorp Genetics (formerly Invitae), Labcorp
Classification: Pathogenic. Last evaluated: 2025-12-03. Review status: criteria provided, single submitter. Criteria: Invitae Variant Classification Sherloc (09022015). Collection method: clinical testing. Allele origin: germline.
Comment: This sequence change is expected to alter the c-terminus of the RAX2 protein (p.Ala156Argfs*131). While this is not anticipated to result in nonsense mediated decay, it is expected to disrupt the last 29 amino acid(s) of the RAX2 protein and extend the protein by 101 additional amino acid residues. This variant is not present in population databases (gnomAD no frequency). This frameshift has been observed in individuals with autosomal dominant cone–rod dystrophy or retinitis pigmentosa (PMID: 25789692; internal data). It has also been observed to segregate with disease in related individuals. ClinVar contains an entry for this variant (Variation ID: 208124). Experimental studies and prediction algorithms are not available or were not evaluated, and the functional significance of this variant is currently unknown. For these reasons, this variant has been classified as Pathogenic.

Blueprint Genetics
Classification: Likely pathogenic for RAX2-related disorders. Last evaluated: 2022-10-07. Review status: criteria provided, single submitter. Criteria: ACMG Guidelines, 2015. Collection method: clinical testing. Allele origin: germline. Affected: yes. Observed: 4 variant alleles.

GeneDx
Classification: Likely pathogenic. Last evaluated: 2020-10-07. Review status: criteria provided, single submitter. Criteria: GeneDx Variant Classification Process June 2021. Collection method: clinical testing. Allele origin: germline. Affected: yes.
Comment: Frameshift variant predicted to result in protein truncation as the last 29 amino acids are replaced with 130 different amino acids, although loss-of-function variants have not been reported downstream of this position in the protein; Not observed in large population cohorts (Lek et al., 2016); This variant is associated with the following publications: (PMID: 25789692)

OMIM
Classification: Pathogenic for CONE-ROD DYSTROPHY 11. Last evaluated: 2015-06-01. Review status: no assertion criteria provided. Collection method: literature only. Allele origin: germline. Not counted in ClinVar's aggregate classification.

Literature cited by the submitters: PubMed 25789692 (cited by Labcorp Genetics (formerly Invitae), Labcorp and OMIM).